The following is an entry in ClinVar:

NM_000548.5(TSC2):c.4662+16C>T

Gene: TSC2 (TSC complex subunit 2; plus strand). Cytogenetic location: 16p13.3.
Variant type: single nucleotide variant.
Coding change: c.4662+16C>T on transcript NM_000548.5 (MANE Select); 16 bases into the intron after coding-DNA position 4662, C replaced by T.
Molecular consequence: intron variant.
Genome position (GRCh38, 1-based): chr16:2,085,338, C>T. VCF-style: chr16-2085338-C-T. GRCh37 (hg19) VCF-style: chr16-2135339-C-T.
Other names: c.4593+16C>T (NM_001114382.3); c.4533+16C>T (NM_021055.3, NM_001370405.1); c.4464+16C>T (NM_001363528.2); c.4530+16C>T (NM_001370404.1); c.4461+16C>T (NM_001077183.3); c.4353+16C>T (NM_001318827.2); c.3930+16C>T (NM_001318831.2); c.4317+16C>T (NM_001318829.2); and 1 more.
Identifiers: ClinVar variation 49481 (VCV000049481.7), dbSNP rs45517356, ClinGen allele CA020837.
Genomic context (GRCh38, chr16:2,085,338, plus strand): 5'-TACGACACCCACAAGATCGCCGTCCTGTATGTTGGAGAAGGCCAGGTGAGGCTGCGGGGC[C>T]GGCCTAGGTGCCTGGACAGGGCCAGCTGGGCCTCAGCCTGCAGTGGGTAGGGAGTCTGGG-3'

ClinVar aggregate classification (germline): Likely benign. Review status: criteria provided, multiple submitters, no conflicts (2 of 4 stars). 3 submissions from 3 submitters: Likely benign (2). 1 of the submissions does not count toward it. Last evaluated 2026-02-03.

Conditions:
Tuberous sclerosis 2 (TSC2). Identifiers: Orphanet 805, MedGen C1860707, MONDO:0013199, OMIM 613254.
Tuberous sclerosis syndrome (TSC). Also called: Tuberous Sclerosis Complex; Tuberous sclerosis. Identifiers: Orphanet 805, MedGen C0041341, MONDO:0001734.

Allele frequency attached by ClinVar (database versions not stated): ExAC 0.00002; gnomAD exomes 0.00002; TOPMed 0.00003.
gnomAD v4.1: 25 of 1,612,306 alleles (0.0016%); highest among the groups gnomAD compares: African/African-American, 0.0027%; no homozygotes.

Submissions (3):

Labcorp Genetics (formerly Invitae), Labcorp
Classification: Likely benign for Tuberous sclerosis 2. Last evaluated: 2026-02-03. Review status: criteria provided, single submitter. Criteria: Invitae Variant Classification Sherloc (09022015). Collection method: clinical testing. Allele origin: germline.

GeneDx
Classification: Likely benign. Last evaluated: 2018-01-11. Review status: criteria provided, single submitter. Criteria: GeneDx Variant Classification (06012015). Collection method: clinical testing. Allele origin: germline. Affected: yes.
Comment: This variant is considered likely benign or benign based on one or more of the following criteria: it is a conservative change, it occurs at a poorly conserved position in the protein, it is predicted to be benign by multiple in silico algorithms, and/or has population frequency not consistent with disease.

Tuberous sclerosis database (TSC2)
No classification provided. Condition: TSC. Review status: no classification provided. Criteria: Tuberous Sclerosis Database Assertion Criteria 2015. Collection method: curation. Allele origin: germline. Affected: yes. Not counted in ClinVar's aggregate classification.